The following is an entry in ClinVar:

ClinVar aggregate classification (germline): Benign/Likely benign. Review status: criteria provided, multiple submitters, no conflicts (2 of 4 stars). 4 submissions from 4 submitters: Benign (2); Likely benign (1). 1 of the submissions does not count toward it. Last evaluated 2025-11-12.

Conditions:
Deficiency of beta-ureidopropionase (UPB1D). Also called: Beta-ureidopropionase deficiency. Identifiers: Orphanet 65287, MedGen C1291512, MONDO:0013164, OMIM 613161.

Allele frequency attached by ClinVar (database versions not stated): 1000 Genomes Project 0.00339; 1000 Genomes Project 30x 0.00359; gnomAD 0.00378 and 0.00403; TOPMed 0.00410; ESP Exome Variant Server 0.00515.
gnomAD v4.1: 1,197 of 1,614,272 alleles (0.074%); highest among the groups gnomAD compares: African/African-American, 1.4%; 12 homozygotes.

Submissions (4):

Labcorp Genetics (formerly Invitae), Labcorp
Classification: Benign. Last evaluated: 2025-11-12. Review status: criteria provided, single submitter. Criteria: Invitae Variant Classification Sherloc (09022015). Collection method: clinical testing. Allele origin: germline.

Blueprint Genetics
Classification: Likely benign. Last evaluated: 2024-11-13. Review status: criteria provided, single submitter. Criteria: ACMG Guidelines, 2015. Collection method: clinical testing. Allele origin: germline.

Illumina Laboratory Services, Illumina
Classification: Benign for Deficiency of beta-ureidopropionase. Last evaluated: 2018-01-12. Review status: criteria provided, single submitter. Criteria: ICSL Variant Classification Criteria 13 December 2019. Collection method: clinical testing. Allele origin: germline.
Comment: This variant was observed in the ICSL laboratory as part of a predisposition screen in an ostensibly healthy population. It had not been previously curated by ICSL or reported in the Human Gene Mutation Database (HGMD: prior to June 1st, 2018), and was therefore a candidate for classification through an automated scoring system. Utilizing variant allele frequency, disease prevalence and penetrance estimates, and inheritance mode, an automated score was calculated to assess if this variant is too frequent to cause the disease. Based on the score and internal cut-off values, a variant classified as benign is not then subjected to further curation. The score for this variant resulted in a classification of benign for this disease.

Diasio Lab,  Mayo Clinic
No classification provided. Review status: no classification provided. Collection method: not provided. Allele origin: unknown. Not counted in ClinVar's aggregate classification.

NM_016327.3(UPB1):c.976C>A (p.Arg326=)

Gene: UPB1 (beta-ureidopropionase 1; plus strand). Cytogenetic location: 22q11.23.
Variant type: single nucleotide variant.
Coding change: c.976C>A on transcript NM_016327.3 (MANE Select); coding-DNA position 976, C replaced by A.
Protein change: p.Arg326=; no amino-acid change (arginine 326 retained).
Molecular consequence: synonymous variant.
Genome position (GRCh38, 1-based): chr22:24,523,678, C>A. VCF-style: chr22-24523678-C-A. GRCh37 (hg19) VCF-style: chr22-24919646-C-A.
Identifiers: ClinVar variation 100164 (VCV000100164.14), dbSNP rs113975342, ClinGen allele CA228247.
Genomic context (GRCh38, chr22:24,523,678, plus strand): 5'-GCTCACCAGGACTTTGGCTACTTTTATGGCTCGAGCTATGTGGCAGCCCCTGACAGCAGC[C>A]GGACTCCTGGGCTGTCCCGTAGCCGGGATGGACTGCTAGTTGCTAAGCTCGACCTAAACC-3'
Protein context (NP_057411.1, residues 316-336): SSYVAAPDSS[Arg326=]TPGLSRSRDG